The following is an entry in ClinVar:

NM_001933.5(DLST):c.214A>G (p.Thr72Ala)

Gene: DLST (dihydrolipoamide S-succinyltransferase; plus strand). Cytogenetic location: 14q24.3.
Variant type: single nucleotide variant.
Coding change: c.214A>G on transcript NM_001933.5 (MANE Select); coding-DNA position 214, A replaced by G.
Protein change: p.Thr72Ala; replaces threonine 72 with alanine.
Molecular consequence: missense variant. On other transcripts: non-coding transcript variant (2).
Genome position (GRCh38, 1-based): chr14:74,889,289, A>G. VCF-style: chr14-74889289-A-G. GRCh37 (hg19) VCF-style: chr14-75355992-A-G.
Other names: c.214A>G, p.Thr72Ala (NM_001244883.2); short protein forms T72A.
Identifiers: ClinVar variation 4802976 (VCV004802976.1).

ClinVar aggregate classification (germline): Uncertain significance (1 of 4 stars; one submission).

gnomAD v4.1: 7 of 1,612,742 alleles (0.00043%); highest among the groups gnomAD compares: African/African-American, 0.008%; no homozygotes.

Submission:

Labcorp Genetics (formerly Invitae), Labcorp
Classification: Uncertain significance. Last evaluated: 2025-06-18. Review status: criteria provided, single submitter. Criteria: Invitae Variant Classification Sherloc (09022015). Collection method: clinical testing. Allele origin: germline.
Comment: This sequence change replaces threonine, which is neutral and polar, with alanine, which is neutral and non-polar, at codon 72 of the DLST protein (p.Thr72Ala). This variant is present in population databases (rs141349679, gnomAD 0.02%). This variant has not been reported in the literature in individuals affected with DLST-related conditions. Invitae Evidence Modeling of protein sequence and biophysical properties (such as structural, functional, and spatial information, amino acid conservation, physicochemical variation, residue mobility, and thermodynamic stability) indicates that this missense variant is not expected to disrupt DLST protein function with a negative predictive value of 80%. In summary, the available evidence is currently insufficient to determine the role of this variant in disease. Therefore, it has been classified as a Variant of Uncertain Significance.